The following is an entry in ClinVar:

NM_001134831.2(AHI1):c.415C>T (p.Gln139Ter)

Gene: AHI1 (Abelson helper integration site 1; minus strand). Cytogenetic location: 6q23.3.
Variant type: single nucleotide variant.
Coding change: c.415C>T on transcript NM_001134831.2 (MANE Select); coding-DNA position 415, C replaced by T.
Protein change: p.Gln139Ter; replaces glutamine 139 with a stop codon.
Molecular consequence: nonsense.
Genome position (GRCh38, 1-based): chr6:135,466,148, G>A on the plus strand (C>T on the coding strand, the complement: AHI1 is on the minus strand). VCF-style: chr6-135466148-G-A. GRCh37 (hg19) VCF-style: chr6-135787286-G-A.
Other names: c.415C>T, p.Gln139Ter (NM_001134830.2, NM_001134832.2, NM_001350503.2 and 2 more transcripts); short protein forms Q139*.
Identifiers: ClinVar variation 5013270 (VCV005013270.1).

ClinVar aggregate classification (germline): Pathogenic (1 of 4 stars; one submission).

Conditions:
Joubert syndrome 3 (JBTS3). Also called: AHI1-related Ciliopathy. Identifiers: Orphanet 220493, MedGen C1837713, MONDO:0012078, OMIM 608629.

Submission:

Myriad Genetics, Inc.
Classification: Pathogenic for Joubert syndrome 3. Last evaluated: 2024-07-02. Review status: criteria provided, single submitter. Criteria: Myriad Autosomal Dominant, Autosomal Recessive and X-Linked Classification Criteria (2023). Collection method: clinical testing. Allele origin: unknown.
Comment: NM_001134831.1(AHI1):c.415C>T(Q139*) is expected to be pathogenic in the context of Joubert syndrome, AHI1-related. This variant is predicted to lead to an abnormal or absent protein product due to the creation of a premature termination codon in AHI1, a gene where loss-of-function variants are known to be pathogenic. Please note: this variant was assessed in the context of healthy population screening.